The following is an entry in ClinVar:

NM_005051.3(QARS1):c.1231G>A (p.Gly411Ser)

Gene: QARS1 (glutaminyl-tRNA synthetase 1; minus strand). Cytogenetic location: 3p21.31.
Variant type: single nucleotide variant.
Coding change: c.1231G>A on transcript NM_005051.3 (MANE Select); coding-DNA position 1231, G replaced by A.
Protein change: p.Gly411Ser; replaces glycine 411 with serine.
Molecular consequence: missense variant. On other transcripts: non-coding transcript variant (1).
Genome position (GRCh38, 1-based): chr3:49,100,025, C>T on the plus strand (G>A on the coding strand, the complement: QARS1 is on the minus strand). VCF-style: chr3-49100025-C-T. GRCh37 (hg19) VCF-style: chr3-49137458-C-T.
Other names: c.1198G>A, p.Gly400Ser (NM_001272073.2); short protein forms G400S, G411S.
Identifiers: ClinVar variation 1328869 (VCV001328869.2), dbSNP rs765950058, ClinGen allele CA2391840.

ClinVar aggregate classification (germline): Uncertain significance (1 of 4 stars; one submission).

Allele frequency attached by ClinVar (database versions not stated): gnomAD exomes below 0.00001; ExAC 0.00001; gnomAD 0.00001.
gnomAD v4.1: 8 of 1,614,106 alleles (0.0005%); highest among the groups gnomAD compares: Non-Finnish European, 0.00068%; no homozygotes.

Submission:

GeneDx
Classification: Uncertain significance. Last evaluated: 2021-06-18. Review status: criteria provided, single submitter. Criteria: GeneDx Variant Classification Process June 2021. Collection method: clinical testing. Allele origin: germline. Affected: yes.
Comment: This variant is associated with the following publications: (PMID: 25471517)